The following is an entry in ClinVar:

ClinVar aggregate classification (germline): Uncertain significance (1 of 4 stars; one submission).

Allele frequency attached by ClinVar (database versions not stated): gnomAD exomes below 0.00001; TOPMed below 0.00001; gnomAD 0.00001.
gnomAD v4.1: 3 of 1,553,802 alleles (0.00019%); highest among the groups gnomAD compares: African/African-American, 0.0042%; no homozygotes.

Submission:

Ambry Genetics
Classification: Uncertain significance. Last evaluated: 2024-02-27. Review status: criteria provided, single submitter. Criteria: Ambry Variant Classification Scheme 2023. Collection method: clinical testing. Allele origin: germline.
Comment: The c.158A>G (p.N53S) alteration is located in exon (coding exon ) of the MPPED1 gene. This alteration results from a A to G substitution at nucleotide position 158, causing the asparagine (N) at amino acid position 53 to be replaced by a serine (S). Based on insufficient or conflicting evidence, the clinical significance of this alteration remains unclear.

NM_001044370.2(MPPED1):c.158A>G (p.Asn53Ser)

Gene: MPPED1 (metallophosphoesterase domain containing 1; plus strand). Cytogenetic location: 22q13.2.
Variant type: single nucleotide variant.
Coding change: c.158A>G on transcript NM_001044370.2 (MANE Select); coding-DNA position 158, A replaced by G.
Protein change: p.Asn53Ser; replaces asparagine 53 with serine.
Molecular consequence: missense variant.
Genome position (GRCh38, 1-based): chr22:43,425,143, A>G. VCF-style: chr22-43425143-A-G. GRCh37 (hg19) VCF-style: chr22-43821149-A-G.
Other names: c.158A>G, p.Asn53Ser (NM_001362786.2, NM_001585.2); short protein forms N53S.
Identifiers: ClinVar variation 3203121 (VCV003203121.1), dbSNP rs1601947524, ClinGen allele CA411828559.
Genomic context (GRCh38, chr22:43,425,143, plus strand): 5'-TGGCCGCTCGGCGGCACCAGCACAGCCGGCTCATCATCGAGGTGGACGAGTACAGCTCCA[A>G]CCCCACCCAGGCCTTCACCTTCTACAACATCAACCAGGGCCGCTTCCAGCCACCGCATGT-3'
Protein context (NP_001037835.1, residues 43-63): LIIEVDEYSS[Asn53Ser]PTQAFTFYNI